The following is an entry in ClinVar:

ClinVar aggregate classification (germline): Conflicting classifications of pathogenicity. Review status: criteria provided, conflicting classifications (1 of 4 stars). 2 submissions from 2 submitters: Uncertain significance (1); Likely benign (1). Last evaluated 2024-11-04.

Allele frequency attached by ClinVar (database versions not stated): TOPMed 0.00003; gnomAD 0.00004; gnomAD exomes 0.00006 and 0.00009; ExAC 0.00023.
gnomAD v4.1: 90 of 1,535,960 alleles (0.0059%); highest among the groups gnomAD compares: Middle Eastern, 0.067%; no homozygotes.

Submissions (2):

Blueprint Genetics
Classification: Likely benign. Last evaluated: 2024-11-04. Review status: criteria provided, single submitter. Criteria: ACMG Guidelines, 2015. Collection method: clinical testing. Allele origin: germline.

Labcorp Genetics (formerly Invitae), Labcorp
Classification: Uncertain significance. Last evaluated: 2022-08-16. Review status: criteria provided, single submitter. Criteria: Invitae Variant Classification Sherloc (09022015). Collection method: clinical testing. Allele origin: germline.
Comment: This sequence change replaces glutamic acid, which is acidic and polar, with lysine, which is basic and polar, at codon 692 of the ARMC9 protein (p.Glu692Lys). This variant is present in population databases (rs749968058, gnomAD 0.03%). This variant has not been reported in the literature in individuals affected with ARMC9-related conditions. ClinVar contains an entry for this variant (Variation ID: 1002433). Experimental studies and prediction algorithms are not available or were not evaluated, and the functional significance of this variant is currently unknown. In summary, the available evidence is currently insufficient to determine the role of this variant in disease. Therefore, it has been classified as a Variant of Uncertain Significance.

NM_001352754.2(ARMC9):c.2074G>A (p.Glu692Lys)

Gene: ARMC9 (armadillo repeat containing 9; plus strand). Cytogenetic location: 2q37.1.
Variant type: single nucleotide variant.
Coding change: c.2074G>A on transcript NM_001352754.2 (MANE Select); coding-DNA position 2074, G replaced by A.
Protein change: p.Glu692Lys; replaces glutamic acid 692 with lysine.
Molecular consequence: missense variant.
Genome position (GRCh38, 1-based): chr2:231,355,877, G>A. VCF-style: chr2-231355877-G-A. GRCh37 (hg19) VCF-style: chr2-232220589-G-A.
Other names: c.2074G>A, p.Glu692Lys (NM_001271466.4); short protein forms E692K.
Identifiers: ClinVar variation 1002433 (VCV001002433.7), dbSNP rs749968058, ClinGen allele CA2160577.